The following is an entry in ClinVar:

NM_012233.3(RAB3GAP1):c.423C>T (p.Ser141=)

Gene: RAB3GAP1 (RAB3 GTPase activating protein catalytic subunit 1; plus strand). Cytogenetic location: 2q21.3.
Variant type: single nucleotide variant.
Coding change: c.423C>T on transcript NM_012233.3 (MANE Select); coding-DNA position 423, C replaced by T.
Protein change: p.Ser141=; no amino-acid change (serine 141 retained).
Molecular consequence: synonymous variant.
Genome position (GRCh38, 1-based): chr2:135,113,211, C>T. VCF-style: chr2-135113211-C-T. GRCh37 (hg19) VCF-style: chr2-135870781-C-T.
Other names: c.423C>T, p.Ser141= (NM_001172435.2).
Identifiers: ClinVar variation 1194401 (VCV001194401.9), dbSNP rs145748693, ClinGen allele CA1884527.
Genomic context (GRCh38, chr2:135,113,211, plus strand): 5'-GTATGGGCTACGTGAGTTCGTGGTGATTGCCCCTGCTGCACACAGTGACGCTGTTCTCAG[C>T]GAATCTAAGTGCAACCTTCTTCTGAGTTCTGTTTCTATTGCCTTGGGAAACACTGGCTGG-3'
Protein context (NP_036365.1, residues 131-151): APAAHSDAVL[Ser141=]ESKCNLLLSS

ClinVar aggregate classification (germline): Benign/Likely benign. Review status: criteria provided, multiple submitters, no conflicts (2 of 4 stars). 3 submissions from 3 submitters: Benign (1); Likely benign (1). 1 of the submissions does not count toward it. Last evaluated 2025-10-22.

Conditions:
RAB3GAP1-related disorder. Also called: RAB3GAP1-related condition; RAB3GAP1-related disorders.

Allele frequency attached by ClinVar (database versions not stated): gnomAD exomes 0.00009 and 0.00019; ExAC 0.00021; 1000 Genomes Project 30x 0.00031; 1000 Genomes Project 0.00040; TOPMed 0.00081; ESP Exome Variant Server 0.00100.
gnomAD v4.1: 243 of 1,614,060 alleles (0.015%); highest among the groups gnomAD compares: African/African-American, 0.27%; 1 homozygote.

Submissions (3):

Labcorp Genetics (formerly Invitae), Labcorp
Classification: Benign. Last evaluated: 2025-10-22. Review status: criteria provided, single submitter. Criteria: Invitae Variant Classification Sherloc (09022015). Collection method: clinical testing. Allele origin: germline.

GeneDx
Classification: Likely benign. Last evaluated: 2020-03-02. Review status: criteria provided, single submitter. Criteria: GeneDx Variant Classification Process June 2021. Collection method: clinical testing. Allele origin: germline. Affected: yes.

PreventionGenetics, part of Exact Sciences
Classification: Likely benign for RAB3GAP1-related condition. Last evaluated: 2020-03-17. Review status: no assertion criteria provided. Collection method: clinical testing. Allele origin: germline. Not counted in ClinVar's aggregate classification.
Comment: This variant is classified as likely benign based on ACMG/AMP sequence variant interpretation guidelines (Richards et al. 2015 PMID: 25741868, with internal and published modifications).